The following is an entry in ClinVar:

ClinVar aggregate classification (germline): Uncertain significance (1 of 4 stars; one submission).

Submission:

Ambry Genetics
Classification: Uncertain significance. Last evaluated: 2024-07-15. Review status: criteria provided, single submitter. Criteria: Ambry Variant Classification Scheme 2023. Collection method: clinical testing. Allele origin: germline.
Comment: The c.3550+2T>A intronic variant results from a T to A substitution two nucleotides after coding exon 31 in the KIF1B gene. This nucleotide position is highly conserved in available vertebrate species. In silico splice site analysis predicts that this alteration will weaken the native splice donor site and may result in the creation or strengthening of a novel splice donor site. The evidence for this gene-disease relationship is limited; therefore, the clinical significance of this alteration is unclear.

NM_001365951.3(KIF1B):c.3688+2T>A

Gene: KIF1B (kinesin family member 1B; plus strand). Cytogenetic location: 1p36.22.
Variant type: single nucleotide variant.
Coding change: c.3688+2T>A on transcript NM_001365951.3 (MANE Select); the canonical splice donor site of the intron after coding-DNA position 3688, T replaced by A.
Molecular consequence: splice donor variant.
Genome position (GRCh38, 1-based): chr1:10,343,289, T>A. VCF-style: chr1-10343289-T-A. GRCh37 (hg19) VCF-style: chr1-10403347-T-A.
Other names: c.3550+2T>A (NM_015074.3); c.3688+2T>A (NM_001365952.1).
Identifiers: ClinVar variation 3533923 (VCV003533923.1).